The following is an entry in ClinVar:

NM_005422.4(TECTA):c.5638A>G (p.Asn1880Asp)

Genes: TBCEL-TECTA (TBCEL-TECTA readthrough; plus strand), TECTA (tectorin alpha; plus strand). Cytogenetic location: 11q23.3.
Variant type: single nucleotide variant.
Coding change: c.5638A>G on transcript NM_005422.4 (MANE Select); coding-DNA position 5638, A replaced by G.
Protein change: p.Asn1880Asp; replaces asparagine 1880 with aspartic acid.
Molecular consequence: missense variant.
Genome position (GRCh38, 1-based): chr11:121,168,105, A>G. VCF-style: chr11-121168105-A-G. GRCh37 (hg19) VCF-style: chr11-121038814-A-G.
Other names: c.6580A>G, p.Asn2194Asp (NM_001378761.1); short protein forms N1880D, N2194D.
Identifiers: ClinVar variation 1393380 (VCV001393380.6), dbSNP rs2134197259, ClinGen allele CA383035381.

ClinVar aggregate classification (germline): Uncertain significance (1 of 4 stars; one submission).

Submission:

Labcorp Genetics (formerly Invitae), Labcorp
Classification: Uncertain significance. Last evaluated: 2022-05-03. Review status: criteria provided, single submitter. Criteria: Invitae Variant Classification Sherloc (09022015). Collection method: clinical testing. Allele origin: germline.
Comment: This variant has not been reported in the literature in individuals affected with TECTA-related conditions. This variant is not present in population databases (gnomAD no frequency). This sequence change replaces asparagine, which is neutral and polar, with aspartic acid, which is acidic and polar, at codon 1880 of the TECTA protein (p.Asn1880Asp). Advanced modeling of protein sequence and biophysical properties (such as structural, functional, and spatial information, amino acid conservation, physicochemical variation, residue mobility, and thermodynamic stability) performed at Invitae indicates that this missense variant is expected to disrupt TECTA protein function. In summary, the available evidence is currently insufficient to determine the role of this variant in disease. Therefore, it has been classified as a Variant of Uncertain Significance.